The following is an entry in ClinVar:

ClinVar aggregate classification (germline): Pathogenic (1 of 4 stars; one submission).

Conditions:
Cardiovascular phenotype. Identifiers: MedGen CN230736.
Hereditary cancer-predisposing syndrome. Also called: Hereditary neoplastic syndrome; Neoplastic Syndromes, Hereditary; Tumor predisposition; Hereditary Cancer Syndrome. Identifiers: Orphanet 140162, MedGen C0027672, MeSH D009386, MONDO:0015356.

Submission:

Ambry Genetics
Classification: Pathogenic for Cardiovascular phenotype; Hereditary cancer-predisposing syndrome. Last evaluated: 2025-09-04. Review status: criteria provided, single submitter. Criteria: Ambry Variant Classification Scheme 2023. Collection method: clinical testing. Allele origin: germline.
Comment: The c.2379delC pathogenic mutation, located in coding exon 20 of the NF1 gene, results from a deletion of one nucleotide at nucleotide position 2379, causing a translational frameshift with a predicted alternate stop codon (p.Y794Ifs*27). This variant was reported in individual(s) with features consistent with neurofibromatosis type 1 (Cieza Rivera AM et al. Orphanet J Rare Dis. 2024 Feb;19:85; Ambry internal data). This variant is considered to be rare based on population cohorts in the Genome Aggregation Database (gnomAD). This alteration is expected to result in loss of function by premature protein truncation or nonsense-mediated mRNA decay. As such, this alteration is interpreted as a disease-causing mutation.

Literature cited by the submitters: PubMed 38402381.

NM_001042492.3(NF1):c.2379del (p.Tyr794fs)

Gene: NF1 (neurofibromin 1; plus strand). Cytogenetic location: 17q11.2.
Variant type: Deletion.
Coding change: c.2379del on transcript NM_001042492.3 (MANE Select); coding-DNA position 2379, one base deleted (C; older notation c.2379delC).
Protein change: p.Tyr794fs; shifts the reading frame from tyrosine 794.
Molecular consequence: frameshift variant.
Genome position (GRCh38, 1-based): chr17:31,227,576, C deleted. VCF-style (leftmost placement, unchanged base first): chr17-31227575-AC-A. GRCh37 (hg19) VCF-style: chr17-29554593-AC-A.
Other names: c.2379del, p.Tyr794fs (NM_000267.4); short protein forms Y794fs.
Identifiers: ClinVar variation 4119147 (VCV004119147.1).
Genomic context (GRCh38, chr17:31,227,575, plus strand): 5'-CATTTTAGGCTTGGGAAGATACACATGCAAAATGGGAACAAGCAACAAAGCTAATCCTTA[AC>A]TATCCAAAAGCCAAAATGGAAGATGGCCAGGTAAGTCTGTAAAGTTGACTTTTGTCTGTT-3'